The following is an entry in ClinVar:

ClinVar aggregate classification (germline): Uncertain significance (1 of 4 stars; one submission).

Submission:

Labcorp Genetics (formerly Invitae), Labcorp
Classification: Uncertain significance. Last evaluated: 2024-03-21. Review status: criteria provided, single submitter. Criteria: Invitae Variant Classification Sherloc (09022015). Collection method: clinical testing. Allele origin: germline.
Comment: This sequence change replaces methionine, which is neutral and non-polar, with threonine, which is neutral and polar, at codon 953 of the MSH3 protein (p.Met953Thr). This variant is not present in population databases (gnomAD no frequency). This variant has not been reported in the literature in individuals affected with MSH3-related conditions. An algorithm developed to predict the effect of missense changes on protein structure and function (PolyPhen-2) suggests that this variant is likely to be disruptive. In summary, the available evidence is currently insufficient to determine the role of this variant in disease. Therefore, it has been classified as a Variant of Uncertain Significance.

NM_002439.5(MSH3):c.2858T>C (p.Met953Thr)

Gene: MSH3 (mutS homolog 3; plus strand). Cytogenetic location: 5q14.1.
Variant type: single nucleotide variant.
Coding change: c.2858T>C on transcript NM_002439.5 (MANE Select); coding-DNA position 2858, T replaced by C.
Protein change: p.Met953Thr; replaces methionine 953 with threonine.
Molecular consequence: missense variant.
Genome position (GRCh38, 1-based): chr5:80,854,174, T>C. VCF-style: chr5-80854174-T-C. GRCh37 (hg19) VCF-style: chr5-80149993-T-C.
Other names: short protein forms M953T.
Identifiers: ClinVar variation 3647144 (VCV003647144.2).